The following is an entry in ClinVar:

NM_018180.3(DHX32):c.241G>A (p.Val81Met)

Gene: DHX32 (DEAH-box helicase 32 (putative); minus strand). Cytogenetic location: 10q26.2.
Variant type: single nucleotide variant.
Coding change: c.241G>A on transcript NM_018180.3 (MANE Select); coding-DNA position 241, G replaced by A.
Protein change: p.Val81Met; replaces valine 81 with methionine.
Molecular consequence: missense variant.
Genome position (GRCh38, 1-based): chr10:125,880,584, C>T on the plus strand (G>A on the coding strand, the complement: DHX32 is on the minus strand). VCF-style: chr10-125880584-C-T. GRCh37 (hg19) VCF-style: chr10-127569153-C-T.
Other names: c.241G>A (NM_018180.2); short protein forms V81M.
Identifiers: ClinVar variation 1933976 (VCV001933976.7), dbSNP rs143250708, ClinGen allele CA5739507.
Genomic context (GRCh38, chr10:125,880,584, plus strand): 5'-TTTTGTAGTGGTTACTCACCTGAGCGCTCTTACCACATTTAGCATCTCCTGAAACAATCA[C>T]GATTTGATTTTGAAGCAGGTTCTCCATAAAGGAGTATTTTTCTTTCCATATAGGAAGATC-3'
Protein context (NP_060650.2, residues 71-91): FMENLLQNQI[Val81Met]IVSGDAKCGK

ClinVar aggregate classification (germline): Uncertain significance. Review status: criteria provided, multiple submitters, no conflicts (2 of 4 stars). 3 submissions from 3 submitters: Uncertain significance (3). Last evaluated 2025-12-01.

Allele frequency attached by ClinVar (database versions not stated): gnomAD exomes 0.00001; ExAC 0.00002; gnomAD 0.00003; TOPMed 0.00004; ESP Exome Variant Server 0.00008; 1000 Genomes Project 30x 0.00016; 1000 Genomes Project 0.00020.
gnomAD v4.1: 23 of 1,612,868 alleles (0.0014%); highest among the groups gnomAD compares: Middle Eastern, 0.017%; no homozygotes.

Submissions (3):

Labcorp Genetics (formerly Invitae), Labcorp
Classification: Uncertain significance. Last evaluated: 2025-12-01. Review status: criteria provided, single submitter. Criteria: Invitae Variant Classification Sherloc (09022015). Collection method: clinical testing. Allele origin: germline.
Comment: This sequence change replaces valine, which is neutral and non-polar, with methionine, which is neutral and non-polar, at codon 81 of the DHX32 protein (p.Val81Met). This variant is present in population databases (rs143250708, gnomAD 0.01%). This variant has not been reported in the literature in individuals affected with DHX32-related conditions. ClinVar contains an entry for this variant (Variation ID: 1933976). An algorithm developed to predict the effect of missense changes on protein structure and function (PolyPhen-2) suggests that this variant is likely to be disruptive. In summary, the available evidence is currently insufficient to determine the role of this variant in disease. Therefore, it has been classified as a Variant of Uncertain Significance.

Ambry Genetics
Classification: Uncertain significance. Last evaluated: 2024-11-26. Review status: criteria provided, single submitter. Criteria: Ambry Variant Classification Scheme 2023. Collection method: clinical testing. Allele origin: germline.

Breakthrough Genomics
Classification: Uncertain significance. Review status: criteria provided, single submitter. Criteria: ACMG Guidelines, 2015. Collection method: not provided. Allele origin: germline. Inheritance: Unknown mechanism. Affected: yes.